The following is an entry in ClinVar:

ClinVar aggregate classification (germline): Uncertain significance. Review status: criteria provided, multiple submitters, no conflicts (2 of 4 stars). 2 submissions from 2 submitters: Uncertain significance (2). Last evaluated 2025-04-29.

Conditions:
Hereditary cancer-predisposing syndrome. Also called: Hereditary Cancer Syndrome; Hereditary neoplastic syndrome; Tumor predisposition; Neoplastic Syndromes, Hereditary. Identifiers: Orphanet 140162, MedGen C0027672, MeSH D009386, MONDO:0015356.

Allele frequency attached by ClinVar (database versions not stated): gnomAD below 0.00001 and 0.00001; gnomAD exomes below 0.00001; ExAC 0.00001; 1000 Genomes Project 30x 0.00016; 1000 Genomes Project 0.00020.
gnomAD v4.1: 3 of 1,614,022 alleles (0.00019%); highest among the groups gnomAD compares: South Asian, 0.0033%; no homozygotes.

Submissions (2):

Labcorp Genetics (formerly Invitae), Labcorp
Classification: Uncertain significance. Last evaluated: 2025-04-29. Review status: criteria provided, single submitter. Criteria: Invitae Variant Classification Sherloc (09022015). Collection method: clinical testing. Allele origin: germline.
Comment: This sequence change replaces glycine, which is neutral and non-polar, with valine, which is neutral and non-polar, at codon 204 of the MSH3 protein (p.Gly204Val). This variant is present in population databases (rs570136307, gnomAD 0.003%). This variant has not been reported in the literature in individuals affected with MSH3-related conditions. ClinVar contains an entry for this variant (Variation ID: 841587). An algorithm developed to predict the effect of missense changes on protein structure and function (PolyPhen-2) suggests that this variant is likely to be tolerated. In summary, the available evidence is currently insufficient to determine the role of this variant in disease. Therefore, it has been classified as a Variant of Uncertain Significance.

Ambry Genetics
Classification: Uncertain significance for Hereditary cancer-predisposing syndrome. Last evaluated: 2023-01-01. Review status: criteria provided, single submitter. Criteria: Ambry Variant Classification Scheme 2023. Collection method: clinical testing. Allele origin: germline.
Comment: The p.G204V variant (also known as c.611G>T), located in coding exon 4 of the MSH3 gene, results from a G to T substitution at nucleotide position 611. The glycine at codon 204 is replaced by valine, an amino acid with dissimilar properties. This amino acid position is not well conserved in available vertebrate species. In addition, this alteration is predicted to be tolerated by in silico analysis. Since supporting evidence is limited at this time, the clinical significance of this alteration remains unclear.

NM_002439.5(MSH3):c.611G>T (p.Gly204Val)

Gene: MSH3 (mutS homolog 3; plus strand). Cytogenetic location: 5q14.1.
Variant type: single nucleotide variant.
Coding change: c.611G>T on transcript NM_002439.5 (MANE Select); coding-DNA position 611, G replaced by T.
Protein change: p.Gly204Val; replaces glycine 204 with valine.
Molecular consequence: missense variant.
Genome position (GRCh38, 1-based): chr5:80,670,128, G>T. VCF-style: chr5-80670128-G-T. GRCh37 (hg19) VCF-style: chr5-79965947-G-T.
Other names: short protein forms G204V.
Identifiers: ClinVar variation 841587 (VCV000841587.12), dbSNP rs570136307, ClinGen allele CA3327657.